The following is an entry in ClinVar:

ClinVar aggregate classification (germline): Pathogenic (1 of 4 stars; one submission).

Conditions:
Hereditary cancer-predisposing syndrome. Also called: Neoplastic Syndromes, Hereditary; Tumor predisposition; Hereditary Cancer Syndrome; Hereditary neoplastic syndrome. Identifiers: Orphanet 140162, MedGen C0027672, MeSH D009386, MONDO:0015356.

Submission:

Ambry Genetics
Classification: Pathogenic for Hereditary cancer-predisposing syndrome. Last evaluated: 2020-06-12. Review status: criteria provided, single submitter. Criteria: Ambry Variant Classification Scheme 2023. Collection method: clinical testing. Allele origin: germline.
Comment: The c.1978dupA pathogenic mutation, located in coding exon 10 of the BRCA2 gene, results from a duplication of A at nucleotide position 1978, causing a translational frameshift with a predicted alternate stop codon (p.T660Nfs*2). This alteration is expected to result in loss of function by premature protein truncation or nonsense-mediated mRNA decay. As such, this alteration is interpreted as a disease-causing mutation.

NM_000059.4(BRCA2):c.1978dup (p.Thr660fs)

Gene: BRCA2 (BRCA2 DNA repair associated; plus strand). Cytogenetic location: 13q13.1.
Variant type: Duplication.
Coding change: c.1978dup on transcript NM_000059.4 (MANE Select); coding-DNA position 1978, one base duplicated (A; older notation c.1978dupA).
Protein change: p.Thr660fs; shifts the reading frame from threonine 660.
Molecular consequence: frameshift variant.
Genome position (GRCh38, 1-based): chr13:32,336,333, A duplicated; the last of 2 consecutive A bases (chr13:32,336,332-32,336,333); duplicating either gives the same sequence. VCF-style (leftmost placement, unchanged base first): chr13-32336331-T-TA. GRCh37 (hg19) VCF-style: chr13-32910468-T-TA.
Other names: c.1978dup, p.Thr660Asnfs (NM_001406719.1, NM_001406720.1); c.1978dupA (NM_000059.3); short protein forms T660fs.
Identifiers: ClinVar variation 1783748 (VCV001783748.2), dbSNP rs2548522918, ClinGen allele CA2580087188.
Genomic context (GRCh38, chr13:32,336,331, plus strand): 5'-TGCATTCTTCTGTGAAAAGAAGCTGTTCACAGAATGATTCTGAAGAACCAACTTTGTCCT[T>TA]AACTAGCTCTTTTGGGACAATTCTGAGGAAATGTTCTAGAAATGAAACATGTTCTAATAA-3'